The following is an entry in ClinVar:

ClinVar aggregate classification (germline): Pathogenic (1 of 4 stars; one submission).

Conditions:
Marfan syndrome (MFS). Also called: MARFAN SYNDROME, TYPE I; Marfan syndrome type 1; Marfan's syndrome; Marfan syndrome, classic; FBN1-Related Marfan Syndrome. Identifiers: Orphanet 284963, Orphanet 558, MedGen C0024796, MONDO:0007947, OMIM 154700.
Familial thoracic aortic aneurysm and aortic dissection (TAAD). Also called: Thoracic aortic aneurysms and dissections. Identifiers: Orphanet 91387, MedGen C4707243, MONDO:0019625.

Submission:

Labcorp Genetics (formerly Invitae), Labcorp
Classification: Pathogenic for Marfan syndrome; Familial thoracic aortic aneurysm and aortic dissection. Last evaluated: 2024-07-15. Review status: criteria provided, single submitter. Criteria: Invitae Variant Classification Sherloc (09022015). Collection method: clinical testing. Allele origin: germline.
Comment: This sequence change creates a premature translational stop signal (p.Tyr1670*) in the FBN1 gene. It is expected to result in an absent or disrupted protein product. Loss-of-function variants in FBN1 are known to be pathogenic (PMID: 17657824, 19293843). This variant is not present in population databases (gnomAD no frequency). This variant has not been reported in the literature in individuals affected with FBN1-related conditions. For these reasons, this variant has been classified as Pathogenic.

Literature cited by the submitters: PubMed 17657824; PubMed 19293843.

NM_000138.5(FBN1):c.5010C>G (p.Tyr1670Ter)

Gene: FBN1 (fibrillin 1; minus strand). Cytogenetic location: 15q21.1.
Variant type: single nucleotide variant.
Coding change: c.5010C>G on transcript NM_000138.5 (MANE Select); coding-DNA position 5010, C replaced by G.
Protein change: p.Tyr1670Ter; replaces tyrosine 1670 with a stop codon.
Molecular consequence: nonsense.
Genome position (GRCh38, 1-based): chr15:48,463,954, G>C on the plus strand (C>G on the coding strand, the complement: FBN1 is on the minus strand). VCF-style: chr15-48463954-G-C. GRCh37 (hg19) VCF-style: chr15-48756151-G-C.
Other names: c.5010C>G, p.Tyr1670Ter (NM_001406716.1); short protein forms Y1670*.
Identifiers: ClinVar variation 3757243 (VCV003757243.2).